The following is an entry in ClinVar:

NM_000384.3(APOB):c.13096G>T (p.Glu4366Ter)

Gene: APOB (apolipoprotein B; minus strand). Cytogenetic location: 2p24.1.
Variant type: single nucleotide variant.
Coding change: c.13096G>T on transcript NM_000384.3 (MANE Select); coding-DNA position 13096, G replaced by T.
Protein change: p.Glu4366Ter; replaces glutamic acid 4366 with a stop codon.
Molecular consequence: nonsense.
Genome position (GRCh38, 1-based): chr2:21,002,326, C>A on the plus strand (G>T on the coding strand, the complement: APOB is on the minus strand). VCF-style: chr2-21002326-C-A. GRCh37 (hg19) VCF-style: chr2-21225198-C-A.
Other names: short protein forms E4366*.
Identifiers: ClinVar variation 5020734 (VCV005020734.1).
Genomic context (GRCh38, chr2:21,002,326, plus strand): 5'-CACGAAGGGCCATAATGTATTGATGGATCTGCTGTAACTCTTGAGAAGCTTCCTGAAGCT[C>A]GTTTTGAATAAATTCATTGAACTTATGAAGATTAAGGCATAGGTTTTCTTTCAACAATTT-3'

ClinVar aggregate classification (germline): Uncertain significance (1 of 4 stars; one submission).

gnomAD v4.1: 2 of 1,612,514 alleles (0.00012%); highest among the groups gnomAD compares: Non-Finnish European, 0.00017%; no homozygotes.

Submission:

Dasa
Classification: Uncertain significance. Last evaluated: 2026-01-15. Review status: criteria provided, single submitter. Criteria: DASA Assertion Criteria. Collection method: clinical testing. Allele origin: germline.
Comment: NM_000384.3(APOB):c.13096G>T (p.Glu4366*) is a nonsense variant in APOB predicted to introduce a premature termination codon and is predicted to result in an absent or altered protein product. This variant is rare in population databases. The currently available literature and clinical evidence are not sufficient to establish a definitive association between this variant and the reported condition. Therefore, this variant is classified as a variant of uncertain significance.